The following is an entry in ClinVar:

ClinVar aggregate classification (germline): Uncertain significance. Review status: criteria provided, multiple submitters, no conflicts (2 of 4 stars). 2 submissions from 2 submitters: Uncertain significance (2). Last evaluated 2024-08-12.

Conditions:
Cardiovascular phenotype. Identifiers: MedGen CN230736.
Ehlers-Danlos syndrome, kyphoscoliotic type, 2. Also called: FKBP14-Kyphoscoliotic Ehlers-Danlos Syndrome; Ehlers-Danlos syndrome with progressive kyphoscoliosis, myopathy, and hearing loss; Ehlers-Danlos syndrome, kyphoscoliotic and deafness type. Identifiers: Orphanet 300179, MedGen C3281160, MONDO:0013800, OMIM 614557.

gnomAD v4.1: 3 of 1,613,090 alleles (0.00019%); highest among the groups gnomAD compares: Non-Finnish European, 0.00025%; no homozygotes.

Submissions (2):

Ambry Genetics
Classification: Uncertain significance for Cardiovascular phenotype. Last evaluated: 2024-08-12. Review status: criteria provided, single submitter. Criteria: Ambry Variant Classification Scheme 2023. Collection method: clinical testing. Allele origin: germline.
Comment: The p.T11I variant (also known as c.32C>T), located in coding exon 1 of the FKBP14 gene, results from a C to T substitution at nucleotide position 32. The threonine at codon 11 is replaced by isoleucine, an amino acid with similar properties. This amino acid position is conserved. In addition, this alteration is predicted to be tolerated by in silico analysis. Based on the available evidence, the clinical significance of this variant remains unclear.

Labcorp Genetics (formerly Invitae), Labcorp
Classification: Uncertain significance for Ehlers-Danlos syndrome, kyphoscoliotic type, 2. Last evaluated: 2021-08-28. Review status: criteria provided, single submitter. Criteria: Invitae Variant Classification Sherloc (09022015). Collection method: clinical testing. Allele origin: germline.
Comment: This sequence change replaces threonine with isoleucine at codon 11 of the FKBP14 protein (p.Thr11Ile). The threonine residue is weakly conserved and there is a moderate physicochemical difference between threonine and isoleucine. This variant is not present in population databases (ExAC no frequency). This variant has not been reported in the literature in individuals affected with FKBP14-related conditions. Algorithms developed to predict the effect of missense changes on protein structure and function are either unavailable or do not agree on the potential impact of this missense change (SIFT: "Deleterious"; PolyPhen-2: "Benign"; Align-GVGD: "Class C0"). In summary, the available evidence is currently insufficient to determine the role of this variant in disease. Therefore, it has been classified as a Variant of Uncertain Significance.

NM_017946.4(FKBP14):c.32C>T (p.Thr11Ile)

Genes: FKBP14-AS1 (FKBP14 antisense RNA 1; plus strand), FKBP14 (FKBP prolyl isomerase 14; minus strand). Cytogenetic location: 7p14.3.
Variant type: single nucleotide variant.
Coding change: c.32C>T on transcript NM_017946.4 (MANE Select); coding-DNA position 32, C replaced by T.
Protein change: p.Thr11Ile; replaces threonine 11 with isoleucine.
Molecular consequence: missense variant. On other transcripts: non-coding transcript variant (2).
Genome position (GRCh38, 1-based): chr7:30,026,477, G>A on the plus strand (C>T on the coding strand, the complement: FKBP14 is on the minus strand). VCF-style: chr7-30026477-G-A. GRCh37 (hg19) VCF-style: chr7-30066093-G-A.
Other names: c.32C>T (NM_017946.2); short protein forms T11I.
Identifiers: ClinVar variation 1423791 (VCV001423791.6), dbSNP rs1235130674, ClinGen allele CA367118119.